The following is an entry in ClinVar:

NM_000143.4(FH):c.31T>G (p.Ser11Ala)

Gene: FH (fumarate hydratase; minus strand). Cytogenetic location: 1q43.
Variant type: single nucleotide variant.
Coding change: c.31T>G on transcript NM_000143.4 (MANE Select); coding-DNA position 31, T replaced by G.
Protein change: p.Ser11Ala; replaces serine 11 with alanine.
Molecular consequence: missense variant.
Genome position (GRCh38, 1-based): chr1:241,519,692, A>C on the plus strand (T>G on the coding strand, the complement: FH is on the minus strand). VCF-style: chr1-241519692-A-C. GRCh37 (hg19) VCF-style: chr1-241682992-A-C.
Other names: short protein forms S11A.
Identifiers: ClinVar variation 5021690 (VCV005021690.1).
Genomic context (GRCh38, chr1:241,519,692, plus strand): 5'-CGCCACCCAAGCCGGGAGCCGAAGCTAAGGCTGCGGCTGGAGCCCGCACGAGGGGACGCG[A>C]GCGCGCGAGGAGCCGAAGTGCTCGGTACATGGTGCTGAGGGAGCTTGGGTAGAATTTCTG-3'
Protein context (NP_000134.2, residues 1-21): MYRALRLLAR[Ser11Ala]RPLVRAPAAA

ClinVar aggregate classification (germline): Uncertain significance (1 of 4 stars; one submission).

Conditions:
Hereditary cancer-predisposing syndrome. Also called: Neoplastic Syndromes, Hereditary; Tumor predisposition; Hereditary neoplastic syndrome; Hereditary Cancer Syndrome. Identifiers: Orphanet 140162, MedGen C0027672, MeSH D009386, MONDO:0015356.

Submission:

Ambry Genetics
Classification: Uncertain significance for Hereditary cancer-predisposing syndrome. Last evaluated: 2026-06-15. Review status: criteria provided, single submitter. Criteria: Ambry Variant Classification Scheme 2023. Collection method: clinical testing. Allele origin: germline.
Comment: The p.S11A variant (also known as c.31T>G), located in coding exon 1 of the FH gene, results from a T to G substitution at nucleotide position 31. The serine at codon 11 is replaced by alanine, an amino acid with similar properties. This amino acid position is conserved. In addition, the in silico prediction for this alteration is inconclusive. Based on the available evidence, the clinical significance of this variant remains unclear.